The following is an entry in ClinVar:

ClinVar aggregate classification (germline): Uncertain significance (1 of 4 stars; one submission).

Conditions:
Hereditary cancer-predisposing syndrome. Also called: Tumor predisposition; Hereditary Cancer Syndrome; Neoplastic Syndromes, Hereditary; Hereditary neoplastic syndrome. Identifiers: Orphanet 140162, MedGen C0027672, MeSH D009386, MONDO:0015356.

Submissions (2):

Ambry Genetics
Classification: Uncertain significance for Hereditary cancer-predisposing syndrome. Last evaluated: 2015-08-26. Review status: criteria provided, single submitter. Criteria: Ambry Variant Classification Scheme 2023. Collection method: clinical testing. Allele origin: germline.
Comment: The p.R1649T variant (also known as c.4946G>C and 5065G>C), located in coding exon 14 of the BRCA1 gene, results from a G to C substitution at nucleotide position 4946. The arginine at codon 1649 is replaced by threonine, an amino acid with similar properties. This variant was not reported in population based cohorts in the following databases: Database of Single Nucleotide Polymorphisms (dbSNP), NHLBI Exome Sequencing Project (ESP), and 1000 Genomes Project. In the ESP, this variant was not observed in 6503 samples (13006 alleles) with coverage at this position. To date, this alteration has been detected with an allele frequency of approximately 0.001% (greater than 150,000 alleles tested) in our clinical cohort. This amino acid position is not well conserved in available vertebrate species. In addition, the in silico prediction for this alteration is inconclusive. Since supporting evidence is limited at this time, the clinical significance of p.R1649T remains unclear.

Brotman Baty Institute, University of Washington
No classification provided (evidence only). Condition: Breast-ovarian cancer, familial 1. Review status: no classification provided. Collection method: in vitro. Allele origin: not applicable. Functional consequence: functionally_normal. Not counted in ClinVar's aggregate classification.
ClinVar note: "not provided" was previously submitted as the classification for the variant. However, the classification appeared to be based only on an observation of functional data so it was converted to no classification on 2025-07-30.

NM_007294.4(BRCA1):c.4946G>C (p.Arg1649Thr)

Gene: BRCA1 (BRCA1 DNA repair associated; minus strand). Cytogenetic location: 17q21.31.
Variant type: single nucleotide variant.
Coding change: c.4946G>C on transcript NM_007294.4 (MANE Select); coding-DNA position 4946, G replaced by C.
Protein change: p.Arg1649Thr; replaces arginine 1649 with threonine.
Molecular consequence: missense variant. On other transcripts: non-coding transcript variant (1).
Genome position (GRCh38, 1-based): chr17:43,070,968, C>G on the plus strand (G>C on the coding strand, the complement: BRCA1 is on the minus strand). VCF-style: chr17-43070968-C-G. GRCh37 (hg19) VCF-style: chr17-41222985-C-G.
Other names: c.4943G>C, p.Arg1648Thr (NM_001407614.1, NM_001407615.1, NM_001407616.1 and 17 more transcripts); c.4940G>C, p.Arg1647Thr (NM_001407631.1, NM_001407632.1, NM_001407633.1 and 14 more transcripts); c.4868G>C, p.Arg1623Thr (NM_001407653.1, NM_001407654.1, NM_001407655.1); c.4865G>C, p.Arg1622Thr (NM_001407656.1, NM_001407657.1, NM_001407658.1); c.4862G>C, p.Arg1621Thr (NM_001407659.1, NM_001407660.1, NM_001407661.1 and 2 more transcripts); c.4820G>C, p.Arg1607Thr (NM_001407672.1, NM_001407673.1, NM_001407674.1 and 11 more transcripts); c.4814G>C, p.Arg1605Thr (NM_001407691.1, NM_001407690.1); c.4805G>C, p.Arg1602Thr (NM_001407692.1, NM_001407694.1, NM_001407695.1 and 13 more transcripts); and 70 more; short protein forms R1649T, R1670T, R1602T, R545T, R1521T, R1580T, R1600T, R1606T.
Identifiers: ClinVar variation 233593 (VCV000233593.8), dbSNP rs876660509, ClinGen allele CA10580504.